The following is an entry in ClinVar:

NM_000553.6(WRN):c.586C>T (p.Arg196Cys)

Gene: WRN (WRN RecQ like helicase; plus strand). Cytogenetic location: 8p12.
Variant type: single nucleotide variant.
Coding change: c.586C>T on transcript NM_000553.6 (MANE Select); coding-DNA position 586, C replaced by T.
Protein change: p.Arg196Cys; replaces arginine 196 with cysteine.
Molecular consequence: missense variant.
Genome position (GRCh38, 1-based): chr8:31,067,114, C>T. VCF-style: chr8-31067114-C-T. GRCh37 (hg19) VCF-style: chr8-30924630-C-T.
Other names: p.Arg196Cys; short protein forms R196C.
Identifiers: ClinVar variation 458490 (VCV000458490.8), dbSNP rs375762379, ClinGen allele CA4704107.

ClinVar aggregate classification (germline): Uncertain significance. Review status: criteria provided, multiple submitters, no conflicts (2 of 4 stars). 3 submissions from 3 submitters: Uncertain significance (3). Last evaluated 2025-11-26.

Conditions:
Werner syndrome (WRN). Identifiers: Orphanet 902, MedGen C0043119, MONDO:0010196, OMIM 277700.
Inborn genetic diseases. Identifiers: MedGen C0950123, MeSH D030342.

Allele frequency attached by ClinVar (database versions not stated): gnomAD exomes below 0.00001; ExAC 0.00001; TOPMed 0.00001; gnomAD 0.00003; ESP Exome Variant Server 0.00008.
gnomAD v4.1: 18 of 1,613,760 alleles (0.0011%); highest among the groups gnomAD compares: South Asian, 0.0033%; no homozygotes.

Submissions (3):

Ambry Genetics
Classification: Uncertain significance for Inborn genetic diseases. Last evaluated: 2025-11-26. Review status: criteria provided, single submitter. Criteria: Ambry Variant Classification Scheme 2023. Collection method: clinical testing. Allele origin: germline.

Labcorp Genetics (formerly Invitae), Labcorp
Classification: Uncertain significance for Werner syndrome. Last evaluated: 2025-03-10. Review status: criteria provided, single submitter. Criteria: Invitae Variant Classification Sherloc (09022015). Collection method: clinical testing. Allele origin: germline.
Comment: This sequence change replaces arginine, which is basic and polar, with cysteine, which is neutral and slightly polar, at codon 196 of the WRN protein (p.Arg196Cys). This variant is present in population databases (rs375762379, gnomAD 0.005%). This variant has not been reported in the literature in individuals affected with WRN-related conditions. ClinVar contains an entry for this variant (Variation ID: 458490). An algorithm developed to predict the effect of missense changes on protein structure and function (PolyPhen-2) suggests that this variant is likely to be disruptive. In summary, the available evidence is currently insufficient to determine the role of this variant in disease. Therefore, it has been classified as a Variant of Uncertain Significance.

Mayo Clinic Laboratories, Mayo Clinic
Classification: Uncertain significance. Last evaluated: 2022-11-15. Review status: criteria provided, single submitter. Criteria: ACMG Guidelines, 2015. Collection method: clinical testing. Allele origin: germline. Observed: 1 variant allele.
Comment: PM2